The following is an entry in ClinVar:

ClinVar aggregate classification (germline): Uncertain significance (1 of 4 stars; one submission).

Conditions:
Congenital myasthenic syndrome 20. Also called: Myasthenic syndrome, congenital, 20, presynaptic. Identifiers: MedGen C4310694, MONDO:0014939, OMIM 617143.
Neuronopathy, distal hereditary motor, type 7A. Also called: Neuronopathy, distal hereditary motor, type viia; Neuronopathy, distal hereditary motor, autosomal dominant 7; HARPER-YOUNG MYOPATHY; HMN VIIA; SPINAL MUSCULAR ATROPHY, DISTAL, WITH VOCAL CORD PARALYSIS; NEURONOPATHY, DISTAL HEREDITARY MOTOR, HARDING TYPE VIIA. Identifiers: Orphanet 139589, MedGen C1834703, MONDO:0008024, OMIM 158580.

Allele frequency attached by ClinVar (database versions not stated): gnomAD exomes below 0.00001; TOPMed below 0.00001.
gnomAD v4.1: 3 of 1,613,952 alleles (0.00019%); highest among the groups gnomAD compares: Non-Finnish European, 0.00025%; no homozygotes.

Submission:

Labcorp Genetics (formerly Invitae), Labcorp
Classification: Uncertain significance for Neuronopathy, distal hereditary motor, type 7A; Congenital myasthenic syndrome 20. Last evaluated: 2022-02-27. Review status: criteria provided, single submitter. Criteria: Invitae Variant Classification Sherloc (09022015). Collection method: clinical testing. Allele origin: germline.
Comment: In summary, the available evidence is currently insufficient to determine the role of this variant in disease. Therefore, it has been classified as a Variant of Uncertain Significance. Algorithms developed to predict the effect of missense changes on protein structure and function output the following: SIFT: "Deleterious"; PolyPhen-2: "Benign"; Align-GVGD: "Class C25". The valine amino acid residue is found in multiple mammalian species, which suggests that this missense change does not adversely affect protein function. This variant has not been reported in the literature in individuals affected with SLC5A7-related conditions. This variant is not present in population databases (gnomAD no frequency). This sequence change replaces isoleucine, which is neutral and non-polar, with valine, which is neutral and non-polar, at codon 294 of the SLC5A7 protein (p.Ile294Val).

NM_021815.5(SLC5A7):c.880A>G (p.Ile294Val)

Gene: SLC5A7 (solute carrier family 5 member 7; plus strand). Cytogenetic location: 2q12.3.
Variant type: single nucleotide variant.
Coding change: c.880A>G on transcript NM_021815.5 (MANE Select); coding-DNA position 880, A replaced by G.
Protein change: p.Ile294Val; replaces isoleucine 294 with valine.
Molecular consequence: missense variant.
Genome position (GRCh38, 1-based): chr2:108,006,187, A>G. VCF-style: chr2-108006187-A-G. GRCh37 (hg19) VCF-style: chr2-108622643-A-G.
Other names: c.880A>G, p.Ile294Val (NM_001305005.3); c.565A>G, p.Ile189Val (NM_001305006.3); c.139A>G, p.Ile47Val (NM_001305007.3); short protein forms I189V, I47V, I294V.
Identifiers: ClinVar variation 2103772 (VCV002103772.4), dbSNP rs1678115063, ClinGen allele CA348113328.